The following is an entry in ClinVar:

ClinVar aggregate classification (germline): Pathogenic/Likely pathogenic. Review status: criteria provided, multiple submitters, no conflicts (2 of 4 stars). 2 submissions from 2 submitters: Pathogenic (1); Likely pathogenic (1). Last evaluated 2026-01-21.

Conditions:
Hypertrophic cardiomyopathy 1 (CMH1). Also called: MYH7-Related Familial Hypertrophic Cardiomyopathy; Familial hypertrophic cardiomyopathy 1. Identifiers: MedGen C3495498, MONDO:0008647, OMIM 192600.
Hypertrophic cardiomyopathy. Also called: HYPERTROPHIC MYOCARDIOPATHY. Identifiers: Orphanet 217569, MedGen C0007194, MeSH D002312, MONDO:0005045, HP:0001639.

Submissions (2):

Labcorp Genetics (formerly Invitae), Labcorp
Classification: Pathogenic for Hypertrophic cardiomyopathy. Last evaluated: 2026-01-21. Review status: criteria provided, single submitter. Criteria: Invitae Variant Classification Sherloc (09022015). Collection method: clinical testing. Allele origin: germline.
Comment: This sequence change replaces methionine, which is neutral and non-polar, with leucine, which is neutral and non-polar, at codon 539 of the MYH7 protein (p.Met539Leu). This variant is not present in population databases (gnomAD no frequency). This missense change has been observed in individuals with hypertrophic cardiomyopathy (PMID: 19659763, 27247418). ClinVar contains an entry for this variant (Variation ID: 219836). Invitae Evidence Modeling of protein sequence and biophysical properties (such as structural, functional, and spatial information, amino acid conservation, physicochemical variation, residue mobility, and thermodynamic stability) indicates that this missense variant is expected to disrupt MYH7 protein function with a positive predictive value of 95%. This variant disrupts the p.Met539 amino acid residue in MYH7. Other variant(s) that disrupt this residue have been determined to be pathogenic (PMID: 26271555, 29121657, 33407484, 33658040; internal data). This suggests that this residue is clinically significant, and that variants that disrupt this residue are likely to be disease-causing. For these reasons, this variant has been classified as Pathogenic.

Clinical Genomics Laboratory, Stanford Medicine
Classification: Likely pathogenic for Hypertrophic cardiomyopathy 1. Last evaluated: 2022-12-20. Review status: criteria provided, single submitter. Criteria: ACMG Guidelines, 2015. Collection method: clinical testing. Allele origin: germline. Inheritance: Autosomal dominant inheritance. Affected: yes. Observed: 1 variant allele, 1 heterozygote.
Comment: The p.Met539Leu variant in the MYH7 gene has been previously reported in at least 3 unrelated individuals with hypertrophic cardiomyopathy (PMID: 19659763; PMID: 36291626). This variant was absent from large population databases, including the Genome Aggregation Database. This variant is present in ClinVar (Accession: VCV000219836.8). Additionally, different amino acid changes (p.Met539Ile and p.Met539Val) have been previously reported at this residue. The p.Met539Ile and p.Met539Val variants are classified as likely pathogenic, which suggests another change at this residue, such as p.Met539Leu, may similarly disrupt protein function (PMID: 26271555; PMID: 33407484; PMID: 29907873; PMID: 27247418; PMID: 29121657). This variant is located in a region of MYH7 between codons 181 and 937 that contains the majority of the myosin head domain. Other pathogenic and likely pathogenic variants have been described in this domain and disrupt the function of MYH7. Computational tools predict that this variant is deleterious; however, the accuracy of in silico algorithms is limited. These data were assessed using the ACMG/AMP variant interpretation guidelines. In summary, there is sufficient evidence to classify the p.Met539Leu variant as likely pathogenic for hypertrophic cardiomyopathy in an autosomal dominant manner based on the information above. [ACMG evidence codes used: PS4_supporting; PM1; PM2; PM5; PP3]

Literature cited by the submitters: PubMed 19659763 (cited by Labcorp Genetics (formerly Invitae), Labcorp and Clinical Genomics Laboratory, Stanford Medicine); PubMed 27247418 (cited by Labcorp Genetics (formerly Invitae), Labcorp and Clinical Genomics Laboratory, Stanford Medicine); PubMed 26271555 (cited by Labcorp Genetics (formerly Invitae), Labcorp and Clinical Genomics Laboratory, Stanford Medicine); PubMed 29121657 (cited by Labcorp Genetics (formerly Invitae), Labcorp and Clinical Genomics Laboratory, Stanford Medicine); PubMed 33407484 (cited by Labcorp Genetics (formerly Invitae), Labcorp and Clinical Genomics Laboratory, Stanford Medicine); PubMed 33658040 (cited by Labcorp Genetics (formerly Invitae), Labcorp); PubMed 36291626 (cited by Clinical Genomics Laboratory, Stanford Medicine); PubMed 29907873 (cited by Clinical Genomics Laboratory, Stanford Medicine).

NM_000257.4(MYH7):c.1615A>C (p.Met539Leu)

Gene: MYH7 (myosin heavy chain 7; minus strand). Cytogenetic location: 14q11.2.
Variant type: single nucleotide variant.
Coding change: c.1615A>C on transcript NM_000257.4 (MANE Select); coding-DNA position 1615, A replaced by C.
Protein change: p.Met539Leu; replaces methionine 539 with leucine.
Molecular consequence: missense variant.
Genome position (GRCh38, 1-based): chr14:23,427,858, T>G on the plus strand (A>C on the coding strand, the complement: MYH7 is on the minus strand). VCF-style: chr14-23427858-T-G. GRCh37 (hg19) VCF-style: chr14-23897067-T-G.
Other names: c.1615A>C (LRG_384t1); short protein forms M539L.
Identifiers: ClinVar variation 219836 (VCV000219836.9), dbSNP rs730880930, ClinGen allele CA349239.
Genomic context (GRCh38, chr14:23,427,858, plus strand): 5'-TGCCCAGGTGGTTGTCAAACAGCTTGGCCTTGAAGGTCATGTCGGTGGCCTTGGGGAACA[T>G]GCACTCCTCTTCCAGGATGGACATGATGCCCATGGGCTGAGGAAGCAGGAGAGAGCATCA-3'
Protein context (NP_000248.2, residues 529-549): GIMSILEEEC[Met539Leu]FPKATDMTFK